The following is an entry in ClinVar:

ClinVar aggregate classification (germline): Uncertain significance (1 of 4 stars; one submission).

Allele frequency attached by ClinVar (database versions not stated): gnomAD exomes below 0.00001.
gnomAD v4.1: 1 of 1,613,968 alleles (0.000062%); highest among the groups gnomAD compares: Non-Finnish European, 0.000085%; no homozygotes.

Submission:

CeGaT Center for Human Genetics Tuebingen
Classification: Uncertain significance. Last evaluated: 2024-03-01. Review status: criteria provided, single submitter. Criteria: CeGaT Center For Human Genetics Tuebingen Variant Classification Criteria Version 2. Collection method: clinical testing. Allele origin: germline. Affected: yes. Observed: 1 variant allele.
Comment: EYA4: PM2:Supporting, BP4

NM_004100.5(EYA4):c.153C>T (p.Ser51=)

Gene: EYA4 (EYA transcriptional coactivator and phosphatase 4; plus strand). Cytogenetic location: 6q23.2.
Variant type: single nucleotide variant.
Coding change: c.153C>T on transcript NM_004100.5 (MANE Select); coding-DNA position 153, C replaced by T.
Protein change: p.Ser51=; no amino-acid change (serine 51 retained).
Molecular consequence: synonymous variant.
Genome position (GRCh38, 1-based): chr6:133,446,699, C>T. VCF-style: chr6-133446699-C-T. GRCh37 (hg19) VCF-style: chr6-133767837-C-T.
Other names: c.153C>T, p.Ser51= (NM_001301012.2, NM_001301013.2, NM_001370458.1 and 3 more transcripts).
Identifiers: ClinVar variation 3067626 (VCV003067626.21), dbSNP rs1792879593, ClinGen allele CA452306870.